The following is an entry in ClinVar:

ClinVar aggregate classification (germline): Uncertain significance (1 of 4 stars; one submission).

Submission:

Labcorp Genetics (formerly Invitae), Labcorp
Classification: Uncertain significance. Last evaluated: 2025-06-19. Review status: criteria provided, single submitter. Criteria: Invitae Variant Classification Sherloc (09022015). Collection method: clinical testing. Allele origin: germline.
Comment: This sequence change creates a premature translational stop signal (p.Gln1504Argfs*4) in the KIDINS220 gene. While this is not anticipated to result in nonsense mediated decay, it is expected to disrupt the last 268 amino acid(s) of the KIDINS220 protein. This variant is not present in population databases (gnomAD no frequency). This variant has not been reported in the literature in individuals affected with KIDINS220-related conditions. ClinVar contains an entry for this variant (Variation ID: 2762222). Experimental studies and prediction algorithms are not available or were not evaluated, and the functional significance of this variant is currently unknown. In summary, the available evidence is currently insufficient to determine the role of this variant in disease. Therefore, it has been classified as a Variant of Uncertain Significance.

NM_020738.4(KIDINS220):c.4511del (p.Gln1504fs)

Gene: KIDINS220 (kinase D interacting substrate 220; minus strand). Cytogenetic location: 2p25.1.
Variant type: Deletion.
Coding change: c.4511del on transcript NM_020738.4 (MANE Select); coding-DNA position 4511, one base deleted (A; older notation c.4511delA).
Protein change: p.Gln1504fs; shifts the reading frame from glutamine 1504.
Molecular consequence: frameshift variant. On other transcripts: intron variant (6).
Genome position (GRCh38, 1-based): chr2:8,731,525, T deleted on the plus strand (A on the coding strand, the reverse complement: KIDINS220 is on the minus strand). VCF-style (leftmost placement, unchanged base first): chr2-8731524-CT-C. GRCh37 (hg19) VCF-style: chr2-8871654-CT-C.
Other names: c.4514del, p.Gln1505fs (NM_001348729.2); c.4457del, p.Gln1486fs (NM_001348731.2); c.4454del, p.Gln1485fs (NM_001348732.2); c.4343del, p.Gln1448fs (NM_001348734.2); c.4340del, p.Gln1447fs (NM_001348735.2); c.4214del, p.Gln1405fs (NM_001348736.2); c.3882+1919del (NM_001348741.2, NM_001348742.2, NM_001348743.2); c.3996+1919del (NM_001348738.2); and 1 more; short protein forms Q1405fs, Q1447fs, Q1485fs, Q1486fs, Q1504fs, Q1448fs, Q1505fs.
Identifiers: ClinVar variation 2762222 (VCV002762222.3), dbSNP rs2527401897, ClinGen allele CA2697547797.